The following is an entry in ClinVar:

NM_006767.4(LZTR1):c.160T>G (p.Trp54Gly)

Gene: LZTR1 (leucine zipper like post translational regulator 1; plus strand). Cytogenetic location: 22q11.21.
Variant type: single nucleotide variant.
Coding change: c.160T>G on transcript NM_006767.4 (MANE Select); coding-DNA position 160, T replaced by G.
Protein change: p.Trp54Gly; replaces tryptophan 54 with glycine.
Molecular consequence: missense variant.
Genome position (GRCh38, 1-based): chr22:20,982,531, T>G. VCF-style: chr22-20982531-T-G. GRCh37 (hg19) VCF-style: chr22-21336820-T-G.
Other names: c.160T>G (NM_006767.3); short protein forms W54G.
Identifiers: ClinVar variation 2445734 (VCV002445734.2), dbSNP rs1170063499, ClinGen allele CA410778014.
Genomic context (GRCh38, chr22:20,982,531, plus strand): 5'-TGCTCGGACAGTGTCGAGTACCTGACGCTCAACTTCGGGCCCTTCGAAACAGTGCATCGC[T>G]GGCGGCGCCTCCCGCCCTGCGACGAGTTCGTGGGTGCCCGGTACGGTGGGCTTCATGGGG-3'
Protein context (NP_006758.2, residues 44-64): NFGPFETVHR[Trp54Gly]RRLPPCDEFV

ClinVar aggregate classification (germline): Uncertain significance. Review status: criteria provided, multiple submitters, no conflicts (2 of 4 stars). 2 submissions from 2 submitters: Uncertain significance (2). Last evaluated 2023-04-19.

Conditions:
Cardiovascular phenotype. Identifiers: MedGen CN230736.
Hereditary cancer-predisposing syndrome. Also called: Neoplastic Syndromes, Hereditary; Hereditary Cancer Syndrome; Tumor predisposition; Hereditary neoplastic syndrome. Identifiers: Orphanet 140162, MedGen C0027672, MeSH D009386, MONDO:0015356.

Submissions (2):

Ambry Genetics
Classification: Uncertain significance for Cardiovascular phenotype; Hereditary cancer-predisposing syndrome. Last evaluated: 2023-04-19. Review status: criteria provided, single submitter. Criteria: Ambry Variant Classification Scheme 2023. Collection method: clinical testing. Allele origin: germline.
Comment: The p.W54G variant (also known as c.160T>G), located in coding exon 1 of the LZTR1 gene, results from a T to G substitution at nucleotide position 160. The tryptophan at codon 54 is replaced by glycine, an amino acid with highly dissimilar properties. This amino acid position is conserved. In addition, this alteration is predicted to be deleterious by in silico analysis. Since supporting evidence is limited at this time, the clinical significance of this alteration remains unclear.

Women's Health and Genetics/Laboratory Corporation of America, LabCorp
Classification: Uncertain significance. Last evaluated: 2023-02-06. Review status: criteria provided, single submitter. Criteria: LabCorp Variant Classification Summary - May 2015. Collection method: clinical testing. Allele origin: germline.
Comment: Variant summary: LZTR1 c.160T>G (p.Trp54Gly) results in a non-conservative amino acid change in the encoded protein sequence. Five of five in-silico tools predict a damaging effect of the variant on protein function. The variant was absent in 245962 control chromosomes (gnomAD). The available data on variant occurrences in the general population are insufficient to allow any conclusion about variant significance. To our knowledge, no occurrence of c.160T>G in individuals affected with Noonan Syndrome and no experimental evidence demonstrating its impact on protein function have been reported. No clinical diagnostic laboratories have submitted clinical-significance assessments for this variant to ClinVar after 2014. Based on the evidence outlined above, the variant was classified as uncertain significance.